The following is an entry in ClinVar:

ClinVar aggregate classification (germline): Uncertain significance. Review status: criteria provided, multiple submitters, no conflicts (2 of 4 stars). 2 submissions from 2 submitters: Uncertain significance (2). Last evaluated 2025-12-29.

Conditions:
Pheochromocytoma/paraganglioma syndrome 5. Also called: Paragangliomas 5; SDHA-Related Hereditary Paraganglioma-Pheochromocytoma Syndrome. Identifiers: Orphanet 29072, MedGen C3279992, MONDO:0013602, OMIM 614165.
Mitochondrial complex II deficiency, nuclear type 1. Also called: SUCCINATE CoQ REDUCTASE DEFICIENCY. Identifiers: Orphanet 3208, MedGen C5700310, MONDO:0100294, OMIM 252011.
Hereditary cancer-predisposing syndrome. Also called: Tumor predisposition; Hereditary neoplastic syndrome; Neoplastic Syndromes, Hereditary; Hereditary Cancer Syndrome. Identifiers: Orphanet 140162, MedGen C0027672, MeSH D009386, MONDO:0015356.

Submissions (2):

Labcorp Genetics (formerly Invitae), Labcorp
Classification: Uncertain significance for Pheochromocytoma/paraganglioma syndrome 5; Mitochondrial complex II deficiency, nuclear type 1. Last evaluated: 2025-12-29. Review status: criteria provided, single submitter. Criteria: Invitae Variant Classification Sherloc (09022015). Collection method: clinical testing. Allele origin: germline.
Comment: This sequence change replaces valine, which is neutral and non-polar, with leucine, which is neutral and non-polar, at codon 563 of the SDHA protein (p.Val563Leu). This variant is not present in population databases (gnomAD no frequency). This variant has not been reported in the literature in individuals affected with SDHA-related conditions. ClinVar contains an entry for this variant (Variation ID: 848225). Invitae Evidence Modeling of protein sequence and biophysical properties (such as structural, functional, and spatial information, amino acid conservation, physicochemical variation, residue mobility, and thermodynamic stability) indicates that this missense variant is not expected to disrupt SDHA protein function with a negative predictive value of 95%. In summary, the available evidence is currently insufficient to determine the role of this variant in disease. Therefore, it has been classified as a Variant of Uncertain Significance.

Ambry Genetics
Classification: Uncertain significance for Hereditary cancer-predisposing syndrome. Last evaluated: 2023-05-14. Review status: criteria provided, single submitter. Criteria: Ambry Variant Classification Scheme 2023. Collection method: clinical testing. Allele origin: germline.
Comment: The p.V563L variant (also known as c.1687G>T), located in coding exon 13 of the SDHA gene, results from a G to T substitution at nucleotide position 1687. The valine at codon 563 is replaced by leucine, an amino acid with highly similar properties. This amino acid position is conserved. In addition, the in silico prediction for this alteration is inconclusive. Since supporting evidence is limited at this time, the clinical significance of this alteration remains unclear.

NM_004168.4(SDHA):c.1687G>T (p.Val563Leu)

Gene: SDHA (succinate dehydrogenase complex flavoprotein subunit A; plus strand). Cytogenetic location: 5p15.33.
Variant type: single nucleotide variant.
Coding change: c.1687G>T on transcript NM_004168.4 (MANE Select); coding-DNA position 1687, G replaced by T.
Protein change: p.Val563Leu; replaces valine 563 with leucine.
Molecular consequence: missense variant. On other transcripts: intron variant (1).
Genome position (GRCh38, 1-based): chr5:251,361, G>T. VCF-style: chr5-251361-G-T. GRCh37 (hg19) VCF-style: chr5-251476-G-T.
Other names: c.1543G>T, p.Val515Leu (NM_001294332.2); c.1552-3032G>T (NM_001330758.2); c.1687G>T (NM_004168.2); short protein forms V515L, V563L.
Identifiers: ClinVar variation 848225 (VCV000848225.12), dbSNP rs1736814459, ClinGen allele CA358999942.